The following is an entry in ClinVar:

ClinVar aggregate classification (germline): Conflicting classifications of pathogenicity. Review status: criteria provided, conflicting classifications (1 of 4 stars). 3 submissions from 3 submitters: Likely pathogenic (1); Uncertain significance (2). Last evaluated 2025-04-30.

Conditions:
Progressive sclerosing poliodystrophy (MTDPS4A). Also called: Mitochondrial DNA Depletion Syndrome 4A; ALPERS PROGRESSIVE INFANTILE POLIODYSTROPHY; NEURONAL DEGENERATION OF CHILDHOOD WITH LIVER DISEASE, PROGRESSIVE; Mitochondrial DNA depletion syndrome 4A (Alpers type); Alpers-Huttenlocher Syndrome (AHS); Alpers Syndrome. Identifiers: Orphanet 726, MedGen C0205710, MONDO:0008758, OMIM 203700.

Allele frequency attached by ClinVar (database versions not stated): gnomAD exomes below 0.00001; TOPMed below 0.00001; gnomAD 0.00001; ESP Exome Variant Server 0.00008.
gnomAD v4.1: 3 of 1,613,988 alleles (0.00019%); highest among the groups gnomAD compares: African/African-American, 0.0013%; no homozygotes.

Submissions (3):

Revvity Omics, Revvity
Classification: Uncertain significance. Last evaluated: 2025-04-30. Review status: criteria provided, single submitter. Criteria: ACMG Guidelines, 2015. Collection method: clinical testing. Allele origin: germline.

Labcorp Genetics (formerly Invitae), Labcorp
Classification: Likely pathogenic for Progressive sclerosing poliodystrophy. Last evaluated: 2025-04-21. Review status: criteria provided, single submitter. Criteria: Invitae Variant Classification Sherloc (09022015). Collection method: clinical testing. Allele origin: germline.
Comment: This sequence change replaces aspartic acid, which is acidic and polar, with glycine, which is neutral and non-polar, at codon 1184 of the POLG protein (p.Asp1184Gly). This variant is present in population databases (rs376761578, gnomAD 0.01%). This variant has not been reported in the literature in individuals affected with POLG-related conditions. ClinVar contains an entry for this variant (Variation ID: 1957072). Invitae Evidence Modeling of protein sequence and biophysical properties (such as structural, functional, and spatial information, amino acid conservation, physicochemical variation, residue mobility, and thermodynamic stability) indicates that this missense variant is expected to disrupt POLG protein function with a positive predictive value of 95%. This variant disrupts the p.Asp1184 amino acid residue in POLG. Other variant(s) that disrupt this residue have been determined to be pathogenic (PMID: 16401742, 16957900, 19578034). This suggests that this residue is clinically significant, and that variants that disrupt this residue are likely to be disease-causing. In summary, the currently available evidence indicates that the variant is pathogenic, but additional data are needed to prove that conclusively. Therefore, this variant has been classified as Likely Pathogenic.

GeneDx
Classification: Uncertain significance. Last evaluated: 2023-05-02. Review status: criteria provided, single submitter. Criteria: GeneDx Variant Classification Process June 2021. Collection method: clinical testing. Allele origin: germline. Affected: yes.
Comment: Not observed at significant frequency in large population cohorts (gnomAD); In silico analysis supports that this missense variant has a deleterious effect on protein structure/function; Has not been previously published as pathogenic or benign to our knowledge

Literature cited by the submitters: PubMed 16401742 (cited by Labcorp Genetics (formerly Invitae), Labcorp); PubMed 16957900 (cited by Labcorp Genetics (formerly Invitae), Labcorp); PubMed 19578034 (cited by Labcorp Genetics (formerly Invitae), Labcorp).

NM_002693.3(POLG):c.3551A>G (p.Asp1184Gly)

Gene: POLG (DNA polymerase gamma, catalytic subunit; minus strand). Cytogenetic location: 15q26.1.
Variant type: single nucleotide variant.
Coding change: c.3551A>G on transcript NM_002693.3 (MANE Select); coding-DNA position 3551, A replaced by G.
Protein change: p.Asp1184Gly; replaces aspartic acid 1184 with glycine.
Molecular consequence: missense variant.
Genome position (GRCh38, 1-based): chr15:89,317,468, T>C on the plus strand (A>G on the coding strand, the complement: POLG is on the minus strand). VCF-style: chr15-89317468-T-C. GRCh37 (hg19) VCF-style: chr15-89860699-T-C.
Other names: c.3551A>G, p.Asp1184Gly (NM_001126131.2); short protein forms D1184G.
Identifiers: ClinVar variation 1957072 (VCV001957072.7), dbSNP rs376761578, ClinGen allele CA274539527.